The following is an entry in ClinVar:

ClinVar aggregate classification (germline): Uncertain significance (1 of 4 stars; one submission).

Allele frequency attached by ClinVar (database versions not stated): gnomAD exomes below 0.00001; TOPMed 0.00001.
gnomAD v4.1: 4 of 1,611,222 alleles (0.00025%); highest among the groups gnomAD compares: Middle Eastern, 0.017%; no homozygotes.

Submission:

Labcorp Genetics (formerly Invitae), Labcorp
Classification: Uncertain significance. Last evaluated: 2025-03-17. Review status: criteria provided, single submitter. Criteria: Invitae Variant Classification Sherloc (09022015). Collection method: clinical testing. Allele origin: germline.
Comment: This sequence change falls in intron 22 of the COL11A1 gene. It does not directly change the encoded amino acid sequence of the COL11A1 protein. It affects a nucleotide within the consensus splice site. This variant is not present in population databases (gnomAD no frequency). This variant has not been reported in the literature in individuals affected with COL11A1-related conditions. ClinVar contains an entry for this variant (Variation ID: 1956027). Variants that disrupt the consensus splice site are a relatively common cause of aberrant splicing (PMID: 17576681, 9536098). Algorithms developed to predict the effect of sequence changes on RNA splicing suggest that this variant may disrupt the consensus splice site. In summary, the available evidence is currently insufficient to determine the role of this variant in disease. Therefore, it has been classified as a Variant of Uncertain Significance.

Literature cited by the submitters: PubMed 17576681; PubMed 9536098.

NM_001854.4(COL11A1):c.2043+5G>A

Gene: COL11A1 (collagen type XI alpha 1 chain; minus strand). Cytogenetic location: 1p21.1.
Variant type: single nucleotide variant.
Coding change: c.2043+5G>A on transcript NM_001854.4 (MANE Select); 5 bases into the intron after coding-DNA position 2043, G replaced by A.
Molecular consequence: intron variant.
Genome position (GRCh38, 1-based): chr1:103,002,742, C>T on the plus strand (G>A on the coding strand, the complement: COL11A1 is on the minus strand). VCF-style: chr1-103002742-C-T. GRCh37 (hg19) VCF-style: chr1-103468298-C-T.
Other names: c.1926+5G>A (NM_001190709.2); c.2079+5G>A (NM_080629.3); c.1695+5G>A (NM_080630.4).
Identifiers: ClinVar variation 1956027 (VCV001956027.5), dbSNP rs1665230729, ClinGen allele CA1185282123.